The following is an entry in ClinVar:

NM_014915.3(ANKRD26):c.4305A>T (p.Leu1435Phe)

Gene: ANKRD26 (ankyrin repeat domain 26; minus strand). Cytogenetic location: 10p12.1.
Variant type: single nucleotide variant.
Coding change: c.4305A>T on transcript NM_014915.3 (MANE Select); coding-DNA position 4305, A replaced by T.
Protein change: p.Leu1435Phe; replaces leucine 1435 with phenylalanine.
Molecular consequence: missense variant.
Genome position (GRCh38, 1-based): chr10:27,017,703, T>A on the plus strand (A>T on the coding strand, the complement: ANKRD26 is on the minus strand). VCF-style: chr10-27017703-T-A. GRCh37 (hg19) VCF-style: chr10-27306632-T-A.
Other names: c.4302A>T, p.Leu1434Phe (NM_001256053.2); short protein forms L1434F, L1435F.
Identifiers: ClinVar variation 4578738 (VCV004578738.1).

ClinVar aggregate classification (germline): Uncertain significance (1 of 4 stars; one submission).

Conditions:
Inborn genetic diseases. Identifiers: MedGen C0950123, MeSH D030342.

Submission:

Ambry Genetics
Classification: Uncertain significance for Inborn genetic diseases. Last evaluated: 2025-10-06. Review status: criteria provided, single submitter. Criteria: Ambry Variant Classification Scheme 2023. Collection method: clinical testing. Allele origin: germline.
Comment: The p.L1435F variant (also known as c.4305A>T), located in coding exon 30 of the ANKRD26 gene, results from an A to T substitution at nucleotide position 4305. The leucine at codon 1435 is replaced by phenylalanine, an amino acid with highly similar properties. This amino acid position is conserved. In addition, this alteration is predicted to be tolerated by in silico analysis. Based on the available evidence, the clinical significance of this variant remains unclear.